The following is an entry in ClinVar:

ClinVar aggregate classification (germline): Likely pathogenic (0 of 4 stars; one submission).

Conditions:
Autoimmune lymphoproliferative syndrome type 1. Also called: AUTOIMMUNE LYMPHOPROLIFERATIVE SYNDROME, TYPE I, AUTOSOMAL DOMINANT. Identifiers: Orphanet 3261, MedGen C2717884, MONDO:0011158, OMIM 601859.

Submission:

Area of Clinical and Molecular Genetics, Hospital Universitario Vall de Hebron
Classification: Likely pathogenic for Autoimmune lymphoproliferative syndrome type 1. Review status: no assertion criteria provided. Collection method: clinical testing. Allele origin: somatic. Inheritance: Somatic mutation. Affected: yes.
Comment: A complete description of this variant is avialable at Batlle-Masó et al 2022 (PMID: 36466883)

NM_000043.6(FAS):c.718_719insGTCG (p.Met240fs)

Gene: FAS (Fas cell surface death receptor; plus strand). Cytogenetic location: 10q23.31.
Variant type: Insertion.
Coding change: c.718_719insGTCG on transcript NM_000043.6 (MANE Select); coding-DNA positions 718 to 719, GTCG inserted.
Protein change: p.Met240fs; shifts the reading frame from methionine 240.
Molecular consequence: frameshift variant. On other transcripts: non-coding transcript variant (7), 3 prime UTR variant (2).
Genome position: GRCh38 VCF-style: chr10-89014160-A-AGTCG. GRCh37 (hg19) VCF-style: chr10-90773917-A-AGTCG.
Other names: c.*41_*42insGTCG (NM_001320619.2); c.655_656insGTCG, p.Met219fs (NM_152871.4); c.*30_*31insGTCG (NM_152872.4); short protein forms M219fs, M240fs.
Identifiers: ClinVar variation 1703254 (VCV001703254.5), dbSNP rs2495223270, ClinGen allele CA2580082345.